The following is an entry in ClinVar:

ClinVar aggregate classification (germline): Uncertain significance (1 of 4 stars; one submission).

Conditions:
Developmental and epileptic encephalopathy 94 (DEE94). Also called: Epileptic encephalopathy, childhood-onset; CHD2-Related Neurodevelopmental Disorders. Identifiers: Orphanet 1942, Orphanet 2382, MedGen C3809278, MONDO:0014150, OMIM 615369.

Allele frequency attached by ClinVar (database versions not stated): gnomAD 0.00001; gnomAD exomes 0.00001; TOPMed 0.00001.

Submission:

Labcorp Genetics (formerly Invitae), Labcorp
Classification: Uncertain significance for Developmental and epileptic encephalopathy 94. Last evaluated: 2022-11-01. Review status: criteria provided, single submitter. Criteria: Invitae Variant Classification Sherloc (09022015). Collection method: clinical testing. Allele origin: germline.
Comment: Advanced modeling of protein sequence and biophysical properties (such as structural, functional, and spatial information, amino acid conservation, physicochemical variation, residue mobility, and thermodynamic stability) performed at Invitae indicates that this missense variant is not expected to disrupt CHD2 protein function. In summary, the available evidence is currently insufficient to determine the role of this variant in disease. Therefore, it has been classified as a Variant of Uncertain Significance. This variant is not present in population databases (gnomAD no frequency). This variant has not been reported in the literature in individuals affected with CHD2-related conditions. ClinVar contains an entry for this variant (Variation ID: 1064115). This sequence change replaces histidine, which is basic and polar, with tyrosine, which is neutral and polar, at codon 1754 of the CHD2 protein (p.His1754Tyr).

NM_001271.4(CHD2):c.5260C>T (p.His1754Tyr)

Gene: CHD2 (chromodomain helicase DNA binding protein 2; plus strand). Cytogenetic location: 15q26.1.
Variant type: single nucleotide variant.
Coding change: c.5260C>T on transcript NM_001271.4 (MANE Select); coding-DNA position 5260, C replaced by T.
Protein change: p.His1754Tyr; replaces histidine 1754 with tyrosine.
Molecular consequence: missense variant.
Genome position (GRCh38, 1-based): chr15:93,024,478, C>T. VCF-style: chr15-93024478-C-T. GRCh37 (hg19) VCF-style: chr15-93567708-C-T.
Other names: short protein forms H1754Y.
Identifiers: ClinVar variation 1064115 (VCV001064115.7), dbSNP rs1162600592, ClinGen allele CA393908409.